The following is an entry in ClinVar:

NM_002880.4(RAF1):c.834+611A>G

Gene: RAF1 (Raf-1 proto-oncogene, serine/threonine kinase; minus strand). Cytogenetic location: 3p25.2.
Variant type: single nucleotide variant.
Coding change: c.834+611A>G on transcript NM_002880.4 (MANE Select); 611 bases into the intron after coding-DNA position 834, A replaced by G.
Molecular consequence: intron variant. On other transcripts: missense variant (2).
Genome position (GRCh38, 1-based): chr3:12,603,525, T>C on the plus strand (A>G on the coding strand, the complement: RAF1 is on the minus strand). VCF-style: chr3-12603525-T-C. GRCh37 (hg19) VCF-style: chr3-12645024-T-C.
Other names: c.847A>G, p.Ser283Gly (NM_001354689.3); c.604A>G, p.Ser202Gly (NM_001354694.3); c.492+611A>G (NM_001354695.3); c.591+611A>G (NM_001354692.3, NM_001354691.3); c.735+611A>G (NM_001354693.3); c.834+611A>G (NM_001354690.3); short protein forms S202G, S283G.
Identifiers: ClinVar variation 3036249 (VCV003036249.4), dbSNP rs754338208, ClinGen allele CA69619040.

ClinVar aggregate classification (germline): Conflicting classifications of pathogenicity. Review status: criteria provided, conflicting classifications (1 of 4 stars). 2 submissions from 2 submitters: Uncertain significance (1); Likely benign (1). Last evaluated 2026-05-04.

Conditions:
RAF1-related disorder. Also called: RAF1-related condition; RAF1-related disorders.

Allele frequency attached by ClinVar (database versions not stated): gnomAD 0.00003; TOPMed 0.00005; gnomAD exomes 0.00009.
gnomAD v4.1: 51 of 701,258 alleles (0.0073%); highest among the groups gnomAD compares: Non-Finnish European, 0.013%; no homozygotes.

Submissions (2):

PreventionGenetics, part of Exact Sciences
Classification: Uncertain significance for RAF1-related condition. Last evaluated: 2026-05-04. Review status: criteria provided, single submitter. Criteria: ACMG Guidelines, 2015. Collection method: clinical testing. Allele origin: germline.
Comment: The RAF1 c.847A>G variant is predicted to result in the amino acid substitution p.Ser283Gly. This variant corresponds to a deep intronic position in an alternate transcript for this gene (NM_002880:c.834+611A>G). To our knowledge, this variant has not been reported in the literature. This variant is reported in 0.0086% of alleles in individuals of European (Non-Finnish) descent in gnomAD. Although we suspect that this variant may be benign, at this time, the clinical significance of this variant is uncertain due to the absence of conclusive functional and genetic evidence.

Molecular Diagnostic Laboratory for Inherited Cardiovascular Disease, Montreal Heart Institute
Classification: Likely benign. Last evaluated: 2025-04-09. Review status: criteria provided, single submitter. Criteria: ACMG Guidelines, 2015. Collection method: clinical testing. Allele origin: germline. Affected: no.